The following is an entry in ClinVar:

ClinVar aggregate classification (germline): Likely pathogenic. Review status: criteria provided, multiple submitters, no conflicts (2 of 4 stars). 2 submissions from 2 submitters: Likely pathogenic (2). Last evaluated 2025-03-24.

Conditions:
Nemaline myopathy. Also called: Myopathies, Nemaline. Identifiers: Orphanet 607, MedGen C0206157, MONDO:0018958.
Nemaline myopathy 2 (NEM2). Also called: Nemaline myopathy 2, autosomal recessive. Identifiers: MedGen C1850569, MONDO:0009725, OMIM 256030.

Allele frequency attached by ClinVar (database versions not stated): TOPMed below 0.00001; gnomAD 0.00001.
gnomAD v4.1: 1 of 1,611,610 alleles (0.000062%); highest among the groups gnomAD compares: Non-Finnish European, 0.000085%; no homozygotes.

Submissions (2):

Broad Center for Mendelian Genomics, Broad Institute of MIT and Harvard
Classification: Likely pathogenic for Nemaline myopathy. Last evaluated: 2025-03-24. Review status: criteria provided, single submitter. Criteria: ACMG Guidelines, 2015. Collection method: curation. Allele origin: germline. Inheritance: Autosomal recessive inheritance.
Comment: The p.Trp176Ter variant in NEB has not been previously reported in the literature in individuals with nemaline myopathy, but has been identified in 0.00008% (1/1178990) of European (non-Finnish) chromosomes by the Genome Aggregation Database (gnomAD; dbSNP ID: rs2099784151). Although this variant has been seen in the general population in a heterozygous state, its frequency is low enough to be consistent with a recessive carrier frequency. This variant has also been reported in ClinVar (Variation ID: 1726231) and has been interpreted as likely pathogenic by Myriad Genetics. This nonsense variant leads to a premature termination codon at position 176, which is predicted to lead to a truncated or absent protein. Loss of function of the NEB gene is an established disease mechanism in autosomal recessive nemaline myopathy. In summary, although additional studies are required to fully establish its clinical significance, this variant is likely pathogenic for autosomal recessive nemaline myopathy. ACMG/AMP Criteria applied: PVS1, PM2_supporting (Richards 2015).

Myriad Genetics, Inc.
Classification: Likely pathogenic for Nemaline myopathy 2. Last evaluated: 2022-05-28. Review status: criteria provided, single submitter. Criteria: Myriad Women's Health Autosomal Recessive and X-Linked Classification Criteria (2021). Collection method: clinical testing. Allele origin: unknown.
Comment: NM_001271208.1(NEB):c.527G>A(W176*) is expected to be pathogenic in the context of NEB-related nemaline myopathy. This variant is predicted to lead to an abnormal or absent protein product due to the creation of a premature termination codon in NEB, a gene where loss-of-function variants are known to be pathogenic. Please note: this variant was assessed in the context of healthy population screening.

NM_001164508.2(NEB):c.527G>A (p.Trp176Ter)

Gene: NEB (nebulin; minus strand). Cytogenetic location: 2q23.3.
Variant type: single nucleotide variant.
Coding change: c.527G>A on transcript NM_001164508.2 (MANE Select); coding-DNA position 527, G replaced by A.
Protein change: p.Trp176Ter; replaces tryptophan 176 with a stop codon.
Molecular consequence: nonsense.
Genome position (GRCh38, 1-based): chr2:151,724,345, C>T on the plus strand (G>A on the coding strand, the complement: NEB is on the minus strand). VCF-style: chr2-151724345-C-T. GRCh37 (hg19) VCF-style: chr2-152580859-C-T.
Other names: NM_001164508.2(NEB):c.527G>A; p.Trp176Ter; c.527G>A, p.Trp176Ter (NM_001164507.2, NM_001271208.2, NM_004543.5); short protein forms W176*.
Identifiers: ClinVar variation 1726231 (VCV001726231.3), dbSNP rs2099784151, ClinGen allele CA348792285.